The following is an entry in ClinVar:

ClinVar aggregate classification (germline): Pathogenic (1 of 4 stars; one submission).

Conditions:
Glycogen storage disease, type II (IOPD). Also called: Pompe Disease; CARDIOMEGALIA GLYCOGENICA DIFFUSA; GLYCOGENOSIS, GENERALIZED, CARDIAC FORM; GSD II; POMPE DISEASE, INFANTILE-ONSET; GLYCOGEN STORAGE DISEASE II, INFANTILE-ONSET. Identifiers: Orphanet 365, MedGen C0017921, MONDO:0009290, OMIM 232300.

Submission:

Genomenon, Inc
Classification: Pathogenic for Glycogen storage disease, type II. Last evaluated: 2026-07-01. Review status: criteria provided, single submitter. Criteria: Genomenon Sequence Variant Interpretation Standards - Updated. Collection method: curation. Allele origin: germline. Affected: yes.
Comment: GAA c.1322_1326+9del is a deletion that affects the donor splice site of intron 8. It is predicted to affect mRNA splicing, leading to a deleterious effect on the GAA protein. This variant has been observed in at least one proband with a GAA-related disorder (PMID:21940687). It is absent or not present at a significant frequency in gnomAD. In conclusion, we classify GAA c.1322_1326+9del as a pathogenic variant.

Literature cited by the submitters: PubMed 21940687.

NM_000152.5(GAA):c.1322_1326+9del

Gene: GAA (alpha glucosidase; plus strand). Cytogenetic location: 17q25.3.
Variant type: Deletion.
Coding change: c.1322_1326+9del on transcript NM_000152.5 (MANE Select); coding-DNA position 1322 through 9 bases into the intron after coding-DNA position 1326, 14 bases deleted (TCGTGGTGTGTGCC).
Molecular consequence: splice donor variant.
Genome position (GRCh38, 1-based): chr17:80,108,824-80,108,837, TCGTGGTGTGTGCC deleted. VCF-style (leftmost placement, unchanged base first): chr17-80108823-ATCGTGGTGTGTGCC-A. GRCh37 (hg19) VCF-style: chr17-78082622-ATCGTGGTGTGTGCC-A.
Other names: c.1322_1326+9del (NM_001406741.1, NM_001406742.1, NM_001079803.3 and 1 more transcripts).
Identifiers: ClinVar variation 4876558 (VCV004876558.1).